The following is an entry in ClinVar:

ClinVar aggregate classification (germline): Uncertain significance. Review status: criteria provided, multiple submitters, no conflicts (2 of 4 stars). 2 submissions from 2 submitters: Uncertain significance (2). Last evaluated 2025-08-26.

Allele frequency attached by ClinVar (database versions not stated): ExAC 0.00011; 1000 Genomes Project 30x 0.00016; 1000 Genomes Project 0.00020.
gnomAD v4.1: 70 of 1,614,188 alleles (0.0043%); highest among the groups gnomAD compares: Middle Eastern, 0.016%; no homozygotes.

Submissions (2):

Ambry Genetics
Classification: Uncertain significance. Last evaluated: 2025-08-26. Review status: criteria provided, single submitter. Criteria: Ambry Variant Classification Scheme 2023. Collection method: clinical testing. Allele origin: germline.

Labcorp Genetics (formerly Invitae), Labcorp
Classification: Uncertain significance. Last evaluated: 2025-01-24. Review status: criteria provided, single submitter. Criteria: Invitae Variant Classification Sherloc (09022015). Collection method: clinical testing. Allele origin: germline.
Comment: This sequence change replaces isoleucine, which is neutral and non-polar, with threonine, which is neutral and polar, at codon 1146 of the FAT2 protein (p.Ile1146Thr). This variant is present in population databases (rs202023161, gnomAD 0.01%). This variant has not been reported in the literature in individuals affected with FAT2-related conditions. ClinVar contains an entry for this variant (Variation ID: 2189379). Invitae Evidence Modeling of protein sequence and biophysical properties (such as structural, functional, and spatial information, amino acid conservation, physicochemical variation, residue mobility, and thermodynamic stability) indicates that this missense variant is not expected to disrupt FAT2 protein function with a negative predictive value of 80%. In summary, the available evidence is currently insufficient to determine the role of this variant in disease. Therefore, it has been classified as a Variant of Uncertain Significance.

NM_001447.3(FAT2):c.3437T>C (p.Ile1146Thr)

Gene: FAT2 (FAT atypical cadherin 2; minus strand). Cytogenetic location: 5q33.1.
Variant type: single nucleotide variant.
Coding change: c.3437T>C on transcript NM_001447.3 (MANE Select); coding-DNA position 3437, T replaced by C.
Protein change: p.Ile1146Thr; replaces isoleucine 1146 with threonine.
Molecular consequence: missense variant.
Genome position (GRCh38, 1-based): chr5:151,563,462, A>G on the plus strand (T>C on the coding strand, the complement: FAT2 is on the minus strand). VCF-style: chr5-151563462-A-G. GRCh37 (hg19) VCF-style: chr5-150943023-A-G.
Other names: c.3437T>C (NM_001447.2); short protein forms I1146T.
Identifiers: ClinVar variation 2189379 (VCV002189379.5), dbSNP rs202023161, ClinGen allele CA3521835.
Genomic context (GRCh38, chr5:151,563,462, plus strand): 5'-GAGTCTGGGTCCCAGGCATCCAGTTGAAGCACAGAGGTGCCCACGGGAGCATCCTCCTGG[A>G]TGGAGGGGTAGAACACAGCTTGGGACATCTGGGGTGGGTTGTCATTGGCATCCGTAACCT-3'
Protein context (NP_001438.1, residues 1136-1156): QMSQAVFYPS[Ile1146Thr]QEDAPVGTSV